The following is an entry in ClinVar:

NM_001009944.3(PKD1):c.1522T>C (p.Cys508Arg)

Gene: PKD1 (polycystin 1, transient receptor potential channel interacting; minus strand). Cytogenetic location: 16p13.3.
Variant type: single nucleotide variant.
Coding change: c.1522T>C on transcript NM_001009944.3 (MANE Select); coding-DNA position 1522, T replaced by C.
Protein change: p.Cys508Arg; replaces cysteine 508 with arginine.
Molecular consequence: missense variant.
Genome position (GRCh38, 1-based): chr16:2,116,917, A>G on the plus strand (T>C on the coding strand, the complement: PKD1 is on the minus strand). VCF-style: chr16-2116917-A-G. GRCh37 (hg19) VCF-style: chr16-2166918-A-G.
Other names: p.Cys508Arg; c.1522T>C, p.Cys508Arg (NM_000296.4); c.1522T>C (NM_001009944.2); short protein forms C508R.
Identifiers: ClinVar variation 805149 (VCV000805149.8), dbSNP rs58598099, ClinGen allele CA276783270.

ClinVar aggregate classification (germline): Conflicting classifications of pathogenicity. Review status: criteria provided, conflicting classifications (1 of 4 stars). 8 submissions from 8 submitters: Pathogenic (3); Likely pathogenic (4); Uncertain significance (1). Last evaluated 2026-03-01.

Conditions:
PKD1-related disorder. Also called: PKD1-related condition.
Polycystic kidney disease, adult type (PKD1). Also called: Polycystic Kidney Disease 1, Autosomal Dominant; Polycystic kidney disease 1; Polycystic kidney disease 1, severe; POLYCYSTIC KIDNEY DISEASE, ADULT, TYPE I; Polycystic Kidney, Autosomal Dominant; POLYCYSTIC KIDNEY DISEASE 1 WITH OR WITHOUT POLYCYSTIC LIVER DISEASE. Identifiers: MedGen C3149841, MONDO:0008263, OMIM 173900.

Submissions (8):

PreventionGenetics, part of Exact Sciences
Classification: Pathogenic for PKD1-related condition. Last evaluated: 2026-03-01. Review status: criteria provided, single submitter. Criteria: ACMG Guidelines, 2015. Collection method: clinical testing. Allele origin: germline.
Comment: The PKD1 c.1522T>C variant is predicted to result in the amino acid substitution p.Cys508Arg. This variant has been reported in multiple individuals with autosomal dominant polycystic kidney disease (ADPKD) (Irazabal et al. 2011. PubMed ID: 21551026; Rossetti et al. 2012. PubMed ID: 22383692; Duan et al. 2024. PubMed ID: 39019822). At PreventionGenetics, we previously identified this variant in at least three other patients referred for testing for ADPKD. This variant has not been reported in a large population database (gnomAD), indicating this variant is rare. This variant is interpreted as pathogenic.

Mayo Clinic Laboratories, Mayo Clinic
Classification: Likely pathogenic. Last evaluated: 2025-08-28. Review status: criteria provided, single submitter. Criteria: ACMG Guidelines, 2015. Collection method: clinical testing. Allele origin: germline. Observed: 2 variant alleles.
Comment: PP3, PM2_supporting, PM5, PS4

Women's Health and Genetics/Laboratory Corporation of America, LabCorp
Classification: Likely pathogenic for Polycystic kidney disease, adult type. Last evaluated: 2025-05-27. Review status: criteria provided, single submitter. Criteria: LabCorp Variant Classification Summary - May 2015. Collection method: clinical testing. Allele origin: germline.
Comment: Variant summary: PKD1 c.1522T>C (p.Cys508Arg) results in a non-conservative amino acid change located in the Mannose-Binding Protein A, subunit A domain (IPR016186) of the encoded protein sequence. Algorithms developed to predict the effect of missense changes on protein structure and function all suggest that this variant is likely to be disruptive. The variant was absent in 129012 control chromosomes. c.1522T>C has been observed in individual(s) affected with Autosomal Dominant Polycystic Kidney Disease 1 (example, Rossetti_2012, Bullich_2018, Benson_2021, Duan_2024, Abdelwahed_2022). These data indicate that the variant is likely to be associated with disease. To our knowledge, no experimental evidence demonstrating an impact on protein function has been reported. The following publications have been ascertained in the context of this evaluation (PMID: 33454723, 29801666, 39019822, 38596265, 22383692, 35031424). ClinVar contains an entry for this variant (Variation ID: 805149). Based on the evidence outlined above, the variant was classified as likely pathogenic.

Blueprint Genetics
Classification: Likely pathogenic for PKD1-related disorders. Last evaluated: 2023-09-08. Review status: criteria provided, single submitter. Criteria: ACMG Guidelines, 2015. Collection method: clinical testing. Allele origin: germline. Affected: yes. Observed: 2 variant alleles.

Victorian Clinical Genetics Services, Murdoch Childrens Research Institute
Classification: Pathogenic for Polycystic kidney disease, adult type. Last evaluated: 2023-07-17. Review status: criteria provided, single submitter. Criteria: ACMG Guidelines, 2015. Collection method: clinical testing. Allele origin: germline. Inheritance: Autosomal dominant inheritance. Affected: yes.
Comment: Based on the classification scheme VCGS_Germline_v1.3.4, this variant is classified as Pathogenic. Following criteria are met: 0102 - Loss of function is a known mechanism of disease in this gene and is associated with polycystic kidney disease 1 (MIM#173900). (I) 0107 - This gene is associated with autosomal dominant disease. Polycystic kidney disease 1 (MIM#173900) is predominantly caused by monoallelic variants, with rare reports of biallelic variants causing disease (OMIM). (I) 0200 - Variant is predicted to result in a missense amino acid change from cysteine to arginine. (I) 0251 - This variant is heterozygous. (I) 0301 - Variant is absent from gnomAD (both v2 and v3). (SP) 0501 - Missense variant consistently predicted to be damaging by multiple in silico tools or highly conserved with a major amino acid change. (SP) 0600 - Variant is located in the annotated lectin C-type domain (DECIPHER). (I) 0704 - Another missense variant comparable to the one identified in this case has limited previous evidence for pathogenicity. This alternative change, p.(Cys508Phe), has been reported as likely pathgenic (ClinVar). (SP) 0801 - This variant has strong previous evidence of pathogenicity in unrelated individuals. This variant has been reported pathogenic and likely pathogenic, and has been observed in multiple unrelated individuals with polycystic kidney disease (ClinVar,, PMID: 29860066). (SP) 1208 - Inheritance information for this variant is not currently available in this individual. (I) Legend: (SP) - Supporting pathogenic, (I) - Information, (SB) - Supporting benign

GeneDx
Classification: Uncertain significance. Last evaluated: 2022-11-01. Review status: criteria provided, single submitter. Criteria: GeneDx Variant Classification Process June 2021. Collection method: clinical testing. Allele origin: germline. Affected: yes.
Comment: Not observed at significant frequency in large population cohorts (gnomAD); In silico analysis supports that this missense variant has a deleterious effect on protein structure/function; This variant is associated with the following publications: (PMID: 17048214, 21551026, 17582161, 12842373, 26986070, 29860066, 22383692)

Fulgent Genetics
Classification: Pathogenic for Polycystic kidney disease, adult type. Last evaluated: 2021-10-11. Review status: criteria provided, single submitter. Criteria: ACMG Guidelines, 2015. Collection method: clinical testing. Allele origin: unknown.

Athena Diagnostics
Classification: Likely pathogenic. Last evaluated: 2018-09-24. Review status: criteria provided, single submitter. Criteria: Athena Diagnostics Criteria. Collection method: clinical testing. Allele origin: germline.
Comment: Not found in the total gnomAD dataset, and the data is high quality (0/155376 chr). Statistically enriched in patients compared to ethnically matched controls. Predicted to have a damaging effect on the protein.

Literature cited by the submitters: PubMed 12842373 (cited by Mayo Clinic Laboratories, Mayo Clinic and Athena Diagnostics); PubMed 17048214 (cited by Mayo Clinic Laboratories, Mayo Clinic); PubMed 17582161 (cited by Mayo Clinic Laboratories, Mayo Clinic and Athena Diagnostics); PubMed 21551026 (cited by Mayo Clinic Laboratories, Mayo Clinic and Athena Diagnostics); PubMed 22383692 (cited by 3 submitters); PubMed 29801666 (cited by Mayo Clinic Laboratories, Mayo Clinic and Women's Health and Genetics/Laboratory Corporation of America, LabCorp); PubMed 29860066 (cited by 3 submitters); PubMed 33454723 (cited by Mayo Clinic Laboratories, Mayo Clinic and Women's Health and Genetics/Laboratory Corporation of America, LabCorp); PubMed 35031424 (cited by Mayo Clinic Laboratories, Mayo Clinic and Women's Health and Genetics/Laboratory Corporation of America, LabCorp); PubMed 38596265 (cited by Mayo Clinic Laboratories, Mayo Clinic and Women's Health and Genetics/Laboratory Corporation of America, LabCorp); PubMed 39019822 (cited by Mayo Clinic Laboratories, Mayo Clinic and Women's Health and Genetics/Laboratory Corporation of America, LabCorp).